The following is an entry in ClinVar:

NM_001366900.1(TTC21A):c.2939C>T (p.Ala980Val)

Gene: TTC21A (tetratricopeptide repeat domain 21A; plus strand). Cytogenetic location: 3p22.2.
Variant type: single nucleotide variant.
Coding change: c.2939C>T on transcript NM_001366900.1 (MANE Select); coding-DNA position 2939, C replaced by T.
Protein change: p.Ala980Val; replaces alanine 980 with valine.
Molecular consequence: missense variant. On other transcripts: non-coding transcript variant (3).
Genome position (GRCh38, 1-based): chr3:39,135,169, C>T. VCF-style: chr3-39135169-C-T. GRCh37 (hg19) VCF-style: chr3-39176660-C-T.
Other names: c.2816C>T, p.Ala939Val (NM_001105513.3); c.2963C>T, p.Ala988Val (NM_001366899.1); c.2960C>T, p.Ala987Val (NM_145755.3); c.2960C>T (NM_145755.2); short protein forms A939V, A980V, A987V, A988V.
Identifiers: ClinVar variation 3024797 (VCV003024797.23), dbSNP rs79015599, ClinGen allele CA2324856.

ClinVar aggregate classification (germline): Benign. Review status: criteria provided, single submitter (1 of 4 stars). 2 submissions from 2 submitters: Benign (1). 1 of the submissions does not count toward it. Last evaluated 2026-07-01.

Conditions:
TTC21A-related disorder. Also called: TTC21A-related condition.

Allele frequency attached by ClinVar (database versions not stated): 1000 Genomes Project 0.00220; 1000 Genomes Project 30x 0.00265; TOPMed 0.00658; gnomAD 0.00677; ESP Exome Variant Server 0.00761; ExAC 0.00805; gnomAD exomes 0.00969.
gnomAD v4.1: 15,066 of 1,613,898 alleles (0.93%); highest among the groups gnomAD compares: Non-Finnish European, 1.1%; 95 homozygotes.

Submissions (2):

CeGaT Center for Human Genetics Tuebingen
Classification: Benign. Last evaluated: 2026-07-01. Review status: criteria provided, single submitter. Criteria: CeGaT Center For Human Genetics Tuebingen Variant Classification Criteria Version 2. Collection method: clinical testing. Allele origin: germline. Affected: yes. Observed: 3 variant alleles.
Comment: TTC21A: BP4, BS1, BS2

PreventionGenetics, part of Exact Sciences
Classification: Benign for TTC21A-related condition. Last evaluated: 2024-08-01. Review status: no assertion criteria provided. Collection method: clinical testing. Allele origin: germline. Not counted in ClinVar's aggregate classification.
Comment: This variant is classified as benign based on ACMG/AMP sequence variant interpretation guidelines (Richards et al. 2015 PMID: 25741868, with internal and published modifications).